The following is an entry in ClinVar:

NM_013266.4(CTNNA3):c.856C>A (p.Leu286Met)

Gene: CTNNA3 (catenin alpha 3; minus strand). Cytogenetic location: 10q21.3.
Variant type: single nucleotide variant.
Coding change: c.856C>A on transcript NM_013266.4 (MANE Select); coding-DNA position 856, C replaced by A.
Protein change: p.Leu286Met; replaces leucine 286 with methionine.
Molecular consequence: missense variant.
Genome position (GRCh38, 1-based): chr10:67,180,508, G>T on the plus strand (C>A on the coding strand, the complement: CTNNA3 is on the minus strand). VCF-style: chr10-67180508-G-T. GRCh37 (hg19) VCF-style: chr10-68940266-G-T.
Other names: c.856C>A, p.Leu286Met (NM_001127384.3); c.892C>A, p.Leu298Met (NM_001291133.2); short protein forms L286M, L298M.
Identifiers: ClinVar variation 474827 (VCV000474827.8), dbSNP rs1554939194, ClinGen allele CA377097098.

ClinVar aggregate classification (germline): Uncertain significance (1 of 4 stars; one submission).

Conditions:
Arrhythmogenic right ventricular dysplasia 13. Also called: ARRHYTHMOGENIC RIGHT VENTRICULAR CARDIOMYOPATHY 13; Arrhythmogenic right ventricular dysplasia, familial, 13. Identifiers: MedGen C3810138, MONDO:0000908, OMIM 615616.

Allele frequency attached by ClinVar (database versions not stated): gnomAD exomes 0.00001.
gnomAD v4.1: 15 of 1,613,088 alleles (0.00093%); highest among the groups gnomAD compares: Non-Finnish European, 0.0013%; no homozygotes.

Submission:

Labcorp Genetics (formerly Invitae), Labcorp
Classification: Uncertain significance for Arrhythmogenic right ventricular dysplasia 13. Last evaluated: 2017-11-08. Review status: criteria provided, single submitter. Criteria: Invitae Variant Classification Sherloc (09022015). Collection method: clinical testing. Allele origin: germline.
Comment: In summary, this variant is a novel missense change with uncertain impact on protein function. It has been classified as a Variant of Uncertain Significance. This sequence change replaces leucine with methionine at codon 286 of the CTNNA3 protein (p.Leu286Met). The leucine residue is weakly conserved and there is a small physicochemical difference between leucine and methionine. This variant is not present in population databases (ExAC no frequency) and has not been reported in the literature in individuals with a CTNNA3-related disease. Algorithms developed to predict the effect of missense changes on protein structure and function do not agree on the potential impact of this missense change (SIFT: "Tolerated"; PolyPhen-2: "Possibly Damaging"; Align-GVGD: "Class C0").